The following is an entry in ClinVar:

NM_006445.4(PRPF8):c.3299G>T (p.Arg1100Met)

Gene: PRPF8 (pre-mRNA processing factor 8; minus strand). Cytogenetic location: 17p13.3.
Variant type: single nucleotide variant.
Coding change: c.3299G>T on transcript NM_006445.4 (MANE Select); coding-DNA position 3299, G replaced by T.
Protein change: p.Arg1100Met; replaces arginine 1100 with methionine.
Molecular consequence: missense variant.
Genome position (GRCh38, 1-based): chr17:1,674,442, C>A on the plus strand (G>T on the coding strand, the complement: PRPF8 is on the minus strand). VCF-style: chr17-1674442-C-A. GRCh37 (hg19) VCF-style: chr17-1577736-C-A.
Other names: short protein forms R1100M.
Identifiers: ClinVar variation 4932515 (VCV004932515.2).

ClinVar aggregate classification (germline): Uncertain significance (1 of 4 stars; one submission).

Conditions:
Retinitis pigmentosa 13 (RP13). Also called: PRPF 8-Related Retinitis Pigmentosa. Identifiers: Orphanet 791, MedGen C1838702, MONDO:0010806, OMIM 600059.

Submission:

Blueprint Genetics
Classification: Uncertain significance. Last evaluated: 2023-01-10. Review status: criteria provided, single submitter. Criteria: ACMG Guidelines, 2015. Collection method: clinical testing. Allele origin: germline.